The following is an entry in ClinVar:

NM_203290.4(POLR1C):c.325C>T (p.Arg109Cys)

Gene: POLR1C (RNA polymerase I and III subunit C; plus strand). Cytogenetic location: 6p21.1.
Variant type: single nucleotide variant.
Coding change: c.325C>T on transcript NM_203290.4 (MANE Select); coding-DNA position 325, C replaced by T.
Protein change: p.Arg109Cys; replaces arginine 109 with cysteine.
Molecular consequence: missense variant.
Genome position (GRCh38, 1-based): chr6:43,519,781, C>T. VCF-style: chr6-43519781-C-T. GRCh37 (hg19) VCF-style: chr6-43487519-C-T.
Other names: c.325C>T, p.Arg109Cys (NM_001318876.2, NM_001363658.2); short protein forms R109C.
Identifiers: ClinVar variation 635143 (VCV000635143.8), dbSNP rs1255115751, ClinGen allele CA364282859.

ClinVar aggregate classification (germline): Pathogenic/Likely pathogenic. Review status: criteria provided, multiple submitters, no conflicts (2 of 4 stars). 2 submissions from 2 submitters: Pathogenic (1); Likely pathogenic (1). Last evaluated 2023-06-06.

Conditions:
Leukodystrophy, hypomyelinating, 11. Identifiers: Orphanet 88637, MedGen C4225305, MONDO:0014666, OMIM 616494.

Allele frequency attached by ClinVar (database versions not stated): gnomAD exomes below 0.00001 and 0.00001; gnomAD 0.00001; TOPMed 0.00002.
gnomAD v4.1: 13 of 1,613,984 alleles (0.00081%); highest among the groups gnomAD compares: Admixed American, 0.0017%; no homozygotes.

Submissions (2):

Molecular Genetics, Royal Melbourne Hospital
Classification: Likely pathogenic for Leukodystrophy, hypomyelinating, 11. Last evaluated: 2023-06-06. Review status: criteria provided, single submitter. Criteria: ACMG Guidelines, 2015. Collection method: clinical testing. Allele origin: germline. Inheritance: Autosomal recessive inheritance. Affected: yes.
Comment: This sequence change in POLR1C is predicted to replace arginine with cysteine at codon 109, p.(Arg109Cys). The arginine residue is highly conserved (98/98 vertebrates, UCSC), and is located in the RNA polymerase Rpb3/Rpb11 dimerisation domain. There is a large physicochemical difference between arginine and cysteine. The highest population minor allele frequency in the population database gnomAD v2.1 is 0.003% (1/34,592 alleles) in the Latino/admixed American population, which is consistent with a recessive disease. This variant has been detected in at least two individuals with a phenotype consistent with POLR3-related leukodystrophy. Both were compound heterozygous for the variant and a variant of uncertain significance on the second allele (PMID: 26151409, 33176815). Computational evidence predicts a deleterious effect for the missense substitution (REVEL = 0.908). Another missense variant c.326G>A, p.(Arg109His) in the same codon with a small difference in physicochemical properties has been classified as likely pathogenic for POLR3-related leukodystrophy (ClinVar ID: 204592; PMID: 26151409, 33888711). Based on the classification scheme RMH Modified ACMG/AMP Guidelines v1.6.1, this variant is classified as LIKELY PATHOGENIC. Following criteria are met: PM3, PM5, PM2_Supporting, PP3.

MyeliNeuroGene Lab, McGill University Health Center Research Institute
Classification: Pathogenic for Leukodystrophy, hypomyelinating, 11. Review status: criteria provided, single submitter. Criteria: ACMG Guidelines, 2015. Collection method: research. Allele origin: inherited. Inheritance: Autosomal recessive inheritance. Affected: no.

Literature cited by the submitters: PubMed 26151409 (cited by Molecular Genetics, Royal Melbourne Hospital); PubMed 33176815 (cited by Molecular Genetics, Royal Melbourne Hospital); PubMed 33888711 (cited by Molecular Genetics, Royal Melbourne Hospital); PubMed 610060 (cited by MyeliNeuroGene Lab, McGill University Health Center Research Institute).